The following is an entry in ClinVar:

ClinVar aggregate classification (germline): Pathogenic. Review status: criteria provided, multiple submitters, no conflicts (2 of 4 stars). 20 submissions from 20 submitters: Pathogenic (19). 1 of the submissions does not count toward it. Last evaluated 2026-08-01.

Conditions:
ATM-related cancer predisposition. Also called: ATM-related cancer susceptibility. Identifiers: MedGen CN377759, MONDO:0700270.
Familial colorectal cancer type X. Identifiers: Orphanet 440437, MedGen C3896578, MONDO:0018604.
Hereditary cancer-predisposing syndrome. Also called: Neoplastic Syndromes, Hereditary; Hereditary Cancer Syndrome; Tumor predisposition; Hereditary neoplastic syndrome. Identifiers: Orphanet 140162, MedGen C0027672, MeSH D009386, MONDO:0015356.
Familial cancer of breast. Also called: BREAST CANCER, FAMILIAL; hereditary breast carcinoma; Hereditary breast cancer. Identifiers: Orphanet 227535, MedGen C0346153, MONDO:0016419, OMIM 114480. Disease mechanism: loss of function.
Ataxia-telangiectasia syndrome (AT). Also called: Ataxia-telangiectasia, complementation group D; AT, COMPLEMENTATION GROUP C; Ataxia-telangiectasia; ATAXIA-TELANGIECTASIA, COMPLEMENTATION GROUP A; ATAXIA-TELANGIECTASIA, FRESNO VARIANT; Ataxia-telangiectasia, complementation group E. Identifiers: Orphanet 100, MedGen C0004135, MONDO:0008840, OMIM 208900.
Hereditary breast ovarian cancer syndrome. Also called: BRCA1- and BRCA2-Associated Hereditary Breast and Ovarian Cancer; Hereditary breast and ovarian cancer syndrome; Hereditary breast and ovarian cancer syndrome (HBOC); Hereditary breast and/or ovarian cancer syndrome; Hereditary breast and ovarian cancer; Breast and ovarian cancer. Identifiers: Orphanet 145, MedGen C0677776, MeSH D061325, MONDO:0003582. Disease mechanism: loss of function.

Submissions 1 to 13 of 20:

CeGaT Center for Human Genetics Tuebingen
Classification: Pathogenic. Last evaluated: 2026-08-01. Review status: criteria provided, single submitter. Criteria: CeGaT Center For Human Genetics Tuebingen Variant Classification Criteria Version 2. Collection method: clinical testing. Allele origin: germline. Affected: yes. Observed: 4 variant alleles.
Comment: ATM: PVS1, PM2, PM3

Labcorp Genetics (formerly Invitae), Labcorp
Classification: Pathogenic for Ataxia-telangiectasia syndrome. Last evaluated: 2025-12-30. Review status: criteria provided, single submitter. Criteria: Invitae Variant Classification Sherloc (09022015). Collection method: clinical testing. Allele origin: germline.
Comment: This sequence change creates a premature translational stop signal (p.Arg2506Thrfs*3) in the ATM gene. It is expected to result in an absent or disrupted protein product. Loss-of-function variants in ATM are known to be pathogenic (PMID: 23807571, 25614872). This variant is present in population databases (rs587781905, gnomAD 0.003%). This premature translational stop signal has been observed in individual(s) with ataxia-telangiectasia (PMID: 8845835, 12815592, 16941484, 17124347, 19691550, 21965147). This variant is also known as 7517del4. ClinVar contains an entry for this variant (Variation ID: 141647). RNA analysis performed to evaluate the impact of this premature translational stop signal on mRNA splicing indicates it does not significantly alter splicing (internal data). For these reasons, this variant has been classified as Pathogenic.

Natera, Inc.
Classification: Pathogenic for Ataxia-telangiectasia. Last evaluated: 2025-09-11. Review status: criteria provided, single submitter. Criteria: Natera Variant Classification Schema (03/2026). Collection method: clinical testing. Allele origin: germline.
Comment: The c.7517_7520delGAGA variant in ATM is a frameshift variant predicted to shift the reading frame beginning at codon 2506 and leads to a stop codon 3 codons downstream. This variant is expected to result in nonsense mediated decay, truncation, or a dysfunctional protein product. This variant is rare in the general population with a frequency below the threshold expected for the associated phenotype(s). This variant has been observed in one or more individuals affected with the associated recessive disease, as either homozygous or compound heterozygous with a second variant (PMID: 19691550). Given the available evidence, this variant is classified as Pathogenic.

Institute of Human Genetics, University of Leipzig Medical Center
Classification: Pathogenic for Familial cancer of breast. Last evaluated: 2025-06-25. Review status: criteria provided, single submitter. Criteria: ACMG Guidelines, 2015. Collection method: clinical testing. Allele origin: unknown. Inheritance: Autosomal dominant inheritance. Affected: yes.
Comment: Criteria applied: PVS1,PM3_STR,PM5_SUP

Genomic Medicine Center of Excellence, King Faisal Specialist Hospital and Research Centre
Classification: Pathogenic for Ataxia-telangiectasia syndrome. Last evaluated: 2024-09-22. Review status: criteria provided, single submitter. Criteria: ACMG Guidelines, 2015. Collection method: clinical testing. Allele origin: germline.

Color Diagnostics, LLC DBA Color Health
Classification: Pathogenic for Hereditary cancer-predisposing syndrome. Last evaluated: 2024-08-07. Review status: criteria provided, single submitter. Criteria: ACMG Guidelines, 2015. Collection method: clinical testing. Allele origin: germline.
Comment: This variant deletes 4 nucleotides in exon 51 of the ATM gene, creating a frameshift and premature translation stop signal. This variant is expected to result in an absent or non-functional protein product. This variant has been reported in over twenty individuals affected with classical ataxia-telangiectasia and is a recurrent mutation in the Italian population (PMID: 8845835, 12815592, 16941484, 17124347, 19691550, 21965147). This variant has been identified in 2/250380 chromosomes in the general population by the Genome Aggregation Database (gnomAD). Loss of ATM function is a known mechanism of disease. Based on the available evidence, this variant is classified as Pathogenic.

Fulgent Genetics
Classification: Pathogenic for Familial cancer of breast; Ataxia-telangiectasia syndrome. Last evaluated: 2024-05-07. Review status: criteria provided, single submitter. Criteria: ACMG Guidelines, 2015. Collection method: clinical testing. Allele origin: germline.

Department of Pathology and Laboratory Medicine, Sinai Health System
Classification: Pathogenic for Familial colorectal cancer type X. Last evaluated: 2024-03-25. Review status: criteria provided, single submitter. Criteria: ACMG Guidelines, 2015. Collection method: clinical testing. Allele origin: germline. Affected: yes.

Ambry Genetics
Classification: Pathogenic for Hereditary cancer-predisposing syndrome. Last evaluated: 2024-02-08. Review status: criteria provided, single submitter. Criteria: Ambry Variant Classification Scheme 2023. Collection method: clinical testing. Allele origin: germline.
Comment: The c.7517_7520delGAGA pathogenic mutation, located in coding exon 50 of the ATM gene, results from a deletion of 4 nucleotides at nucleotide positions 7517 to 7520, causing a translational frameshift with a predicted alternate stop codon (p.R2506Tfs*3). This mutation has been identified in several individuals and families with ataxia-telangiectasia (AT) and has been established as a founder mutation in the Italian population (Gilad S et al. Hum. Mol. Genet. 1996 Apr;5:433-9; Cavalieri S et al. Hum. Mutat. 2006 Oct;27:1061; Magliozzi M et al. Dis. Markers. 2006;22:257-64; Chessa L et al. Ann. Hum. Genet. 2009 Sep;73:532-9). It has also been identified in AT patients from other populations (Hacia JG et al. Genome Res. 1998 Dec;8:1245-58; Mitui M et al. Hum. Mutat. 2003 Jul;22:43-50; Coutinho G et al. Am. J. Med. Genet. A. 2004 Apr;126A:33-40; Demuth I et al. Neurogenetics. 2011 Nov;12:273-82). In addition to the clinical data presented in the literature, this alteration is expected to result in loss of function by premature protein truncation or nonsense-mediated mRNA decay. As such, this alteration is interpreted as a disease-causing mutation.

Myriad Genetics, Inc.
Classification: Pathogenic for Familial cancer of breast. Last evaluated: 2024-01-31. Review status: criteria provided, single submitter. Criteria: Myriad Autosomal Dominant, Autosomal Recessive and X-Linked Classification Criteria (2023). Collection method: clinical testing. Allele origin: unknown.
Comment: This variant is considered pathogenic. This variant creates a frameshift predicted to result in premature protein truncation.

Baylor Genetics
Classification: Pathogenic for Familial cancer of breast. Last evaluated: 2023-05-19. Review status: criteria provided, single submitter. Criteria: ACMG Guidelines, 2015. Collection method: clinical testing. Allele origin: unknown.

Institute for Genomic Medicine (IGM) Clinical Laboratory, Nationwide Children's Hospital
Classification: Pathogenic for ATM-related cancer predisposition. Last evaluated: 2022-07-14. Review status: criteria provided, single submitter. Criteria: ACMG Guidelines, 2015. Collection method: clinical testing. Allele origin: germline.
Comment: This variant is predicted to result in loss of function through nonsense-mediated decay of the encoded transcript or premature truncation of the encoded protein in a gene in which loss of function is a known mechanism of disease (ACMG/AMP: PVS1; PMIDs:15039971, 19691550). This variant has been reported at an elevated frequency in affected individuals/in multiple affected individuals in the literature (ACMG/AMP: PS4; PMIDs:8845835, 9872980, 19691550). This variant is absent from or present at an exceedingly low frequency in gnomAD, a large-scale control population database (ACMG/AMP: PM2).

National Health Laboratory Service, Universitas Academic Hospital and University of the Free State
Classification: Pathogenic for Hereditary breast ovarian cancer syndrome. Last evaluated: 2022-04-19. Review status: criteria provided, single submitter. Criteria: ACMG Guidelines, 2015. Collection method: clinical testing. Allele origin: germline. Affected: yes. Observed: 1 variant allele.

NM_000051.4(ATM):c.7517_7520del

Genes: ATM (ATM serine/threonine kinase; plus strand), C11orf65 (chromosome 11 open reading frame 65; minus strand). Cytogenetic location: 11q22.3.
Variant type: Microsatellite.
Coding change: c.7517_7520del on transcript NM_000051.4 (MANE Select); coding-DNA positions 7517 to 7520, 4 bases deleted (GAGA; older notation c.7517_7520delGAGA).
Molecular consequence: splice acceptor variant. On other transcripts: non-coding transcript variant (1), intron variant (2).
Genome position (GRCh38, 1-based): chr11:108,331,445-108,331,448, GAGA deleted; deleting any 4 consecutive bases within chr11:108,331,442-108,331,448 gives the same sequence; the c. name uses the placement nearest the transcript's 3' end. VCF-style (leftmost placement, unchanged base first): chr11-108331441-TAGAG-T. GRCh37 (hg19) VCF-style: chr11-108202168-TAGAG-T.
Other names: NP_000042.3:p.Arg2506ThrfsTer3; c.641-22374_641-22371del (NM_001330368.2); c.*38+3775_*38+3778del (NM_001351110.2).
Identifiers: ClinVar variation 141647 (VCV000141647.81), dbSNP rs587781905, ClinGen allele CA166031.